The following is an entry in ClinVar:

NM_153717.3(EVC):c.802-12C>T

Gene: EVC (EvC ciliary complex subunit 1; plus strand). Cytogenetic location: 4p16.2.
Variant type: single nucleotide variant.
Coding change: c.802-12C>T on transcript NM_153717.3 (MANE Select); 12 bases into the intron before coding-DNA position 802, C replaced by T.
Molecular consequence: intron variant.
Genome position (GRCh38, 1-based): chr4:5,745,192, C>T. VCF-style: chr4-5745192-C-T. GRCh37 (hg19) VCF-style: chr4-5746919-C-T.
Other names: c.802-12C>T (NM_001306090.2, NM_001306092.2).
Identifiers: ClinVar variation 349165 (VCV000349165.17), dbSNP rs61514191, ClinGen allele CA2835881.

ClinVar aggregate classification (germline): Conflicting classifications of pathogenicity. Review status: criteria provided, conflicting classifications (1 of 4 stars). 4 submissions from 4 submitters: Uncertain significance (1); Likely benign (3). Last evaluated 2026-06-15.

Conditions:
Ellis-van Creveld syndrome (EVC). Also called: Chondroectodermal dysplasia; MESOECTODERMAL DYSPLASIA. Identifiers: Orphanet 289, MedGen C0013903, MONDO:0009162, OMIM 225500.
Curry-Hall syndrome (WAD). Also called: WEYERS ACRODENTAL DYSOSTOSIS. Identifiers: Orphanet 952, MedGen C0457013, MONDO:0008673, OMIM 193530.

Allele frequency attached by ClinVar (database versions not stated): ExAC 0.00002; gnomAD exomes 0.00027.

Submissions (4):

Women's Health and Genetics/Laboratory Corporation of America, LabCorp
Classification: Likely benign. Last evaluated: 2026-06-15. Review status: criteria provided, single submitter. Criteria: LabCorp Variant Classification Summary - May 2015. Collection method: clinical testing. Allele origin: germline.
Comment: Variant summary: EVC c.802-12C>T alters a nucleotide located at a position not widely known to affect splicing. Consensus agreement among computation tools predict no significant impact on normal splicing. However, these predictions have yet to be confirmed by functional studies. The variant allele was found at a frequency of 0.00027 in 225158 control chromosomes in the gnomAD database, including 1 homozygotes. This frequency is not significantly higher than estimated for disease-causing variants in EVC, allowing no conclusion about variant significance. To our knowledge, no occurrence of c.802-12C>T in individuals affected with EVC-related conditions and no experimental evidence demonstrating its impact on protein function have been reported. ClinVar contains an entry for this variant (Variation ID: 349165). Based on the evidence outlined above, the variant was classified as likely benign.

Labcorp Genetics (formerly Invitae), Labcorp
Classification: Likely benign for Curry-Hall syndrome; Ellis-van Creveld syndrome. Last evaluated: 2026-02-04. Review status: criteria provided, single submitter. Criteria: Invitae Variant Classification Sherloc (09022015). Collection method: clinical testing. Allele origin: germline.

GeneDx
Classification: Likely benign. Last evaluated: 2021-02-06. Review status: criteria provided, single submitter. Criteria: GeneDx Variant Classification Process June 2021. Collection method: clinical testing. Allele origin: germline. Affected: yes.

Illumina Laboratory Services, Illumina
Classification: Uncertain significance for Ellis-van Creveld syndrome. Last evaluated: 2018-01-13. Review status: criteria provided, single submitter. Criteria: ICSL Variant Classification Criteria 13 December 2019. Collection method: clinical testing. Allele origin: germline.